The following is an entry in ClinVar:

NM_000548.5(TSC2):c.2804C>A (p.Ala935Asp)

Gene: TSC2 (TSC complex subunit 2; plus strand). Cytogenetic location: 16p13.3.
Variant type: single nucleotide variant.
Coding change: c.2804C>A on transcript NM_000548.5 (MANE Select); coding-DNA position 2804, C replaced by A.
Protein change: p.Ala935Asp; replaces alanine 935 with aspartic acid.
Molecular consequence: missense variant.
Genome position (GRCh38, 1-based): chr16:2,076,552, C>A. VCF-style: chr16-2076552-C-A. GRCh37 (hg19) VCF-style: chr16-2126553-C-A.
Other names: c.2804C>A, p.Ala935Asp (NM_001370405.1, NM_021055.3, NM_001077183.3 and 3 more transcripts); c.2693C>A, p.Ala898Asp (NM_001318827.2); c.2657C>A, p.Ala886Asp (NM_001318829.2); c.2204C>A, p.Ala735Asp (NM_001318831.2); c.2837C>A, p.Ala946Asp (NM_001318832.2); short protein forms A946D, A735D, A898D, A935D, A886D.
Identifiers: ClinVar variation 640310 (VCV000640310.9), dbSNP rs1555508975, ClinGen allele CA394280098.

ClinVar aggregate classification (germline): Uncertain significance. Review status: criteria provided, multiple submitters, no conflicts (2 of 4 stars). 2 submissions from 2 submitters: Uncertain significance (2). Last evaluated 2025-05-10.

Conditions:
Tuberous sclerosis 2 (TSC2). Identifiers: Orphanet 805, MedGen C1860707, MONDO:0013199, OMIM 613254.
Hereditary cancer-predisposing syndrome. Also called: Neoplastic Syndromes, Hereditary; Hereditary Cancer Syndrome; Hereditary neoplastic syndrome; Tumor predisposition. Identifiers: Orphanet 140162, MedGen C0027672, MeSH D009386, MONDO:0015356.

Allele frequency attached by ClinVar (database versions not stated): gnomAD exomes below 0.00001.
gnomAD v4.1: 1 of 1,613,420 alleles (0.000062%); highest among the groups gnomAD compares: Non-Finnish European, 0.000085%; no homozygotes.

Submissions (2):

Ambry Genetics
Classification: Uncertain significance for Hereditary cancer-predisposing syndrome. Last evaluated: 2025-05-10. Review status: criteria provided, single submitter. Criteria: Ambry Variant Classification Scheme 2023. Collection method: clinical testing. Allele origin: germline.
Comment: The p.A935D variant (also known as c.2804C>A), located in coding exon 24 of the TSC2 gene, results from a C to A substitution at nucleotide position 2804. The alanine at codon 935 is replaced by aspartic acid, an amino acid with dissimilar properties. This amino acid position is conserved. In addition, this alteration is predicted to be deleterious by in silico analysis. Based on the available evidence, the clinical significance of this variant remains unclear.

Labcorp Genetics (formerly Invitae), Labcorp
Classification: Uncertain significance for Tuberous sclerosis 2. Last evaluated: 2018-12-10. Review status: criteria provided, single submitter. Criteria: Invitae Variant Classification Sherloc (09022015). Collection method: clinical testing. Allele origin: germline.
Comment: In summary, the available evidence is currently insufficient to determine the role of this variant in disease. Therefore, it has been classified as a Variant of Uncertain Significance. Algorithms developed to predict the effect of missense changes on protein structure and function are either unavailable or do not agree on the potential impact of this missense change (SIFT: "Deleterious"; PolyPhen-2: "Probably Damaging"; Align-GVGD: "Class C0"). This variant has not been reported in the literature in individuals with TSC2-related conditions. This variant is not present in population databases (ExAC no frequency). This sequence change replaces alanine with aspartic acid at codon 935 of the TSC2 protein (p.Ala935Asp). The alanine residue is highly conserved and there is a moderate physicochemical difference between alanine and aspartic acid.